The following is an entry in ClinVar:

ClinVar aggregate classification (germline): Uncertain significance (1 of 4 stars; one submission).

gnomAD v4.1: 2 of 1,614,146 alleles (0.00012%); highest among the groups gnomAD compares: Non-Finnish European, 0.00017%; no homozygotes.

Submission:

Labcorp Genetics (formerly Invitae), Labcorp
Classification: Uncertain significance. Last evaluated: 2024-05-28. Review status: criteria provided, single submitter. Criteria: Invitae Variant Classification Sherloc (09022015). Collection method: clinical testing. Allele origin: germline.
Comment: This sequence change replaces alanine, which is neutral and non-polar, with threonine, which is neutral and polar, at codon 1952 of the NBAS protein (p.Ala1952Thr). This variant is not present in population databases (gnomAD no frequency). This variant has not been reported in the literature in individuals affected with NBAS-related conditions. Advanced modeling of protein sequence and biophysical properties (such as structural, functional, and spatial information, amino acid conservation, physicochemical variation, residue mobility, and thermodynamic stability) performed at Invitae indicates that this missense variant is not expected to disrupt NBAS protein function with a negative predictive value of 95%. In summary, the available evidence is currently insufficient to determine the role of this variant in disease. Therefore, it has been classified as a Variant of Uncertain Significance.

NM_015909.4(NBAS):c.5854G>A (p.Ala1952Thr)

Gene: NBAS (NBAS subunit of NRZ tethering complex; minus strand). Cytogenetic location: 2p24.3.
Variant type: single nucleotide variant.
Coding change: c.5854G>A on transcript NM_015909.4 (MANE Select); coding-DNA position 5854, G replaced by A.
Protein change: p.Ala1952Thr; replaces alanine 1952 with threonine.
Molecular consequence: missense variant. On other transcripts: non-coding transcript variant (1).
Genome position (GRCh38, 1-based): chr2:15,238,557, C>T on the plus strand (G>A on the coding strand, the complement: NBAS is on the minus strand). VCF-style: chr2-15238557-C-T. GRCh37 (hg19) VCF-style: chr2-15378681-C-T.
Other names: short protein forms A1952T.
Identifiers: ClinVar variation 3612535 (VCV003612535.2).